The following is an entry in ClinVar:

NM_006506.5(RASA2):c.736G>T (p.Glu246Ter)

Gene: RASA2 (RAS p21 protein activator 2; plus strand). Cytogenetic location: 3q23.
Variant type: single nucleotide variant.
Coding change: c.736G>T on transcript NM_006506.5 (MANE Select); coding-DNA position 736, G replaced by T.
Protein change: p.Glu246Ter; replaces glutamic acid 246 with a stop codon.
Molecular consequence: nonsense.
Genome position (GRCh38, 1-based): chr3:141,558,937, G>T. VCF-style: chr3-141558937-G-T. GRCh37 (hg19) VCF-style: chr3-141277779-G-T.
Other names: c.736G>T, p.Glu246Ter (NM_001303245.3, NM_001303246.3); short protein forms E246*.
Identifiers: ClinVar variation 2813231 (VCV002813231.3), dbSNP rs2478655597, ClinGen allele CA354772901.

ClinVar aggregate classification (germline): Uncertain significance (1 of 4 stars; one submission).

gnomAD v4.1: 1 of 1,606,686 alleles (0.000062%); no homozygotes.

Submission:

Labcorp Genetics (formerly Invitae), Labcorp
Classification: Uncertain significance. Last evaluated: 2022-12-05. Review status: criteria provided, single submitter. Criteria: Invitae Variant Classification Sherloc (09022015). Collection method: clinical testing. Allele origin: germline.
Comment: In summary, the available evidence is currently insufficient to determine the role of this variant in disease. Therefore, it has been classified as a Variant of Uncertain Significance. This variant has not been reported in the literature in individuals affected with RASA2-related conditions. This variant is not present in population databases (gnomAD no frequency). This sequence change creates a premature translational stop signal (p.Glu246*) in the RASA2 gene. It is expected to result in an absent or disrupted protein product. However, the current clinical and genetic evidence is not sufficient to establish whether loss-of-function variants in RASA2 cause disease.